The following is an entry in ClinVar:

NM_004370.6(COL12A1):c.8468C>T (p.Thr2823Ile)

Gene: COL12A1 (collagen type XII alpha 1 chain; minus strand). Cytogenetic location: 6q13.
Variant type: single nucleotide variant.
Coding change: c.8468C>T on transcript NM_004370.6 (MANE Select); coding-DNA position 8468, C replaced by T.
Protein change: p.Thr2823Ile; replaces threonine 2823 with isoleucine.
Molecular consequence: missense variant.
Genome position (GRCh38, 1-based): chr6:75,102,000, G>A on the plus strand (C>T on the coding strand, the complement: COL12A1 is on the minus strand). VCF-style: chr6-75102000-G-A. GRCh37 (hg19) VCF-style: chr6-75811716-G-A.
Other names: c.4976C>T, p.Thr1659Ile (NM_080645.3); short protein forms T1659I, T2823I.
Identifiers: ClinVar variation 2417636 (VCV002417636.7), dbSNP rs747581828, ClinGen allele CA3892263.

ClinVar aggregate classification (germline): Uncertain significance (1 of 4 stars; one submission).

Conditions:
Ullrich congenital muscular dystrophy 2 (UCMD2). Identifiers: Orphanet 75840, MedGen C4225314, MONDO:0014654, OMIM 616470.
Bethlem myopathy 2 (BTHLM2). Identifiers: Orphanet 536516, Orphanet 610, MedGen C4225313, MONDO:0034022, OMIM 616471.

Allele frequency attached by ClinVar (database versions not stated): gnomAD exomes below 0.00001; TOPMed below 0.00001; ExAC 0.00001.
gnomAD v4.1: 2 of 1,614,038 alleles (0.00012%); highest among the groups gnomAD compares: Non-Finnish European, 0.000085%; no homozygotes.

Submission:

Labcorp Genetics (formerly Invitae), Labcorp
Classification: Uncertain significance for Bethlem myopathy 2; Ullrich congenital muscular dystrophy 2. Last evaluated: 2023-04-10. Review status: criteria provided, single submitter. Criteria: Invitae Variant Classification Sherloc (09022015). Collection method: clinical testing. Allele origin: germline.
Comment: In summary, the available evidence is currently insufficient to determine the role of this variant in disease. Therefore, it has been classified as a Variant of Uncertain Significance. An algorithm developed to predict the effect of missense changes on protein structure and function (PolyPhen-2) suggests that this variant is likely to be tolerated. ClinVar contains an entry for this variant (Variation ID: 2417636). This variant has not been reported in the literature in individuals affected with COL12A1-related conditions. This variant is present in population databases (rs747581828, gnomAD 0.003%). This sequence change replaces threonine, which is neutral and polar, with isoleucine, which is neutral and non-polar, at codon 2823 of the COL12A1 protein (p.Thr2823Ile).